The following is an entry in ClinVar:

ClinVar aggregate classification (germline): Uncertain significance (1 of 4 stars; one submission).

Conditions:
Legius syndrome. Identifiers: Orphanet 137605, MedGen C1969623, MONDO:0012669, OMIM 611431. Disease mechanism: loss of function.

Submission:

Labcorp Genetics (formerly Invitae), Labcorp
Classification: Uncertain significance for Legius syndrome. Last evaluated: 2025-03-17. Review status: criteria provided, single submitter. Criteria: Invitae Variant Classification Sherloc (09022015). Collection method: clinical testing. Allele origin: germline.
Comment: This sequence change replaces methionine, which is neutral and non-polar, with isoleucine, which is neutral and non-polar, at codon 22 of the SPRED1 protein (p.Met22Ile). This variant is not present in population databases (gnomAD no frequency). This variant has not been reported in the literature in individuals affected with SPRED1-related conditions. Invitae Evidence Modeling of protein sequence and biophysical properties (such as structural, functional, and spatial information, amino acid conservation, physicochemical variation, residue mobility, and thermodynamic stability) indicates that this missense variant is expected to disrupt SPRED1 protein function with a positive predictive value of 80%. In summary, the available evidence is currently insufficient to determine the role of this variant in disease. Therefore, it has been classified as a Variant of Uncertain Significance.

NM_152594.3(SPRED1):c.66G>A (p.Met22Ile)

Gene: SPRED1 (sprouty related EVH1 domain containing 1; plus strand). Cytogenetic location: 15q14.
Variant type: single nucleotide variant.
Coding change: c.66G>A on transcript NM_152594.3 (MANE Select); coding-DNA position 66, G replaced by A.
Protein change: p.Met22Ile; replaces methionine 22 with isoleucine.
Molecular consequence: missense variant.
Genome position (GRCh38, 1-based): chr15:38,299,406, G>A. VCF-style: chr15-38299406-G-A. GRCh37 (hg19) VCF-style: chr15-38591607-G-A.
Other names: short protein forms M22I.
Identifiers: ClinVar variation 3665495 (VCV003665495.2).